The following is an entry in ClinVar:

NM_198525.3(KIF7):c.2230C>T (p.Arg744Cys)

Gene: KIF7 (kinesin family member 7; minus strand). Cytogenetic location: 15q26.1.
Variant type: single nucleotide variant.
Coding change: c.2230C>T on transcript NM_198525.3 (MANE Select); coding-DNA position 2230, C replaced by T.
Protein change: p.Arg744Cys; replaces arginine 744 with cysteine.
Molecular consequence: missense variant.
Genome position (GRCh38, 1-based): chr15:89,642,367, G>A on the plus strand (C>T on the coding strand, the complement: KIF7 is on the minus strand). VCF-style: chr15-89642367-G-A. GRCh37 (hg19) VCF-style: chr15-90185598-G-A.
Other names: c.2230C>T (NM_198525.2); short protein forms R744C.
Identifiers: ClinVar variation 2095316 (VCV002095316.5), dbSNP rs1269915713, ClinGen allele CA393762397.

ClinVar aggregate classification (germline): Uncertain significance. Review status: criteria provided, multiple submitters, no conflicts (2 of 4 stars). 3 submissions from 3 submitters: Uncertain significance (3). Last evaluated 2024-02-09.

Conditions:
Acrocallosal syndrome (ACLS). Also called: HALLUX DUPLICATION, POSTAXIAL POLYDACTYLY, AND ABSENCE OF CORPUS CALLOSUM; Schinzel syndrome 1; Absence of corpus callosum with unusual facial appearance, mental deficiency, duplication of the halluces and polydactyly. Identifiers: Orphanet 36, MedGen C0796147, MONDO:0008708, OMIM 200990.
Multiple epiphyseal dysplasia, Al-Gazali type. Also called: Macrocephaly with multiple epiphyseal dysplasia and distinctive facies. Identifiers: Orphanet 166024, MedGen C1846722, MONDO:0011778, OMIM 607131.
Hydrolethalus syndrome 2 (HLS2). Identifiers: Orphanet 2189, MedGen C3279899, MONDO:0013585, OMIM 614120.
Inborn genetic diseases. Identifiers: MedGen C0950123, MeSH D030342.

Allele frequency attached by ClinVar (database versions not stated): gnomAD 0.00001.
gnomAD v4.1: 2 of 1,607,584 alleles (0.00012%); highest among the groups gnomAD compares: East Asian, 0.0022%; no homozygotes.

Submissions (3):

Fulgent Genetics
Classification: Uncertain significance for Acrocallosal syndrome; Multiple epiphyseal dysplasia, Al-Gazali type; Hydrolethalus syndrome 2. Last evaluated: 2024-02-09. Review status: criteria provided, single submitter. Criteria: ACMG Guidelines, 2015. Collection method: clinical testing. Allele origin: germline.

Ambry Genetics
Classification: Uncertain significance for Inborn genetic diseases. Last evaluated: 2023-12-15. Review status: criteria provided, single submitter. Criteria: Ambry Variant Classification Scheme 2023. Collection method: clinical testing. Allele origin: germline.

Labcorp Genetics (formerly Invitae), Labcorp
Classification: Uncertain significance for Acrocallosal syndrome. Last evaluated: 2022-02-27. Review status: criteria provided, single submitter. Criteria: Invitae Variant Classification Sherloc (09022015). Collection method: clinical testing. Allele origin: germline.
Comment: Algorithms developed to predict the effect of missense changes on protein structure and function are either unavailable or do not agree on the potential impact of this missense change (SIFT: "Deleterious"; PolyPhen-2: "Possibly Damaging"; Align-GVGD: "Class C0"). In summary, the available evidence is currently insufficient to determine the role of this variant in disease. Therefore, it has been classified as a Variant of Uncertain Significance. This sequence change replaces arginine, which is basic and polar, with cysteine, which is neutral and slightly polar, at codon 744 of the KIF7 protein (p.Arg744Cys). This variant is present in population databases (no rsID available, gnomAD 0.0008%). This variant has not been reported in the literature in individuals affected with KIF7-related conditions.